The following is an entry in ClinVar:

ClinVar aggregate classification (germline): Uncertain significance. Review status: criteria provided, multiple submitters, no conflicts (2 of 4 stars). 3 submissions from 3 submitters: Uncertain significance (3). Last evaluated 2025-08-22.

Conditions:
Inborn genetic diseases. Identifiers: MedGen C0950123, MeSH D030342.
Finnish type amyloidosis. Also called: AMYLOID CRANIAL NEUROPATHY WITH LATTICE CORNEAL DYSTROPHY; AMYLOIDOSIS DUE TO MUTANT GELSOLIN; Amyloidosis, familial, Finnish type; Meretoja type amyloidosis; Amyloidosis 5; AMYLOIDOSIS, HEREDITARY SYSTEMIC 4, FINNISH TYPE. Identifiers: Orphanet 85448, MedGen C1622345, MONDO:0007097, OMIM 105120.

gnomAD v4.1: 4 of 1,614,066 alleles (0.00025%); highest among the groups gnomAD compares: African/African-American, 0.0053%; no homozygotes.

Submissions (3):

Ambry Genetics
Classification: Uncertain significance for Inborn genetic diseases. Last evaluated: 2025-08-22. Review status: criteria provided, single submitter. Criteria: Ambry Variant Classification Scheme 2023. Collection method: clinical testing. Allele origin: germline.

Labcorp Genetics (formerly Invitae), Labcorp
Classification: Uncertain significance. Last evaluated: 2023-09-15. Review status: criteria provided, single submitter. Criteria: Invitae Variant Classification Sherloc (09022015). Collection method: clinical testing. Allele origin: germline.
Comment: This sequence change replaces valine, which is neutral and non-polar, with leucine, which is neutral and non-polar, at codon 184 of the GSN protein (p.Val184Leu). This variant is present in population databases (rs368197143, gnomAD 0.007%). This variant has not been reported in the literature in individuals affected with GSN-related conditions. ClinVar contains an entry for this variant (Variation ID: 1413875). Advanced modeling of protein sequence and biophysical properties (such as structural, functional, and spatial information, amino acid conservation, physicochemical variation, residue mobility, and thermodynamic stability) performed at Invitae indicates that this missense variant is not expected to disrupt GSN protein function. In summary, the available evidence is currently insufficient to determine the role of this variant in disease. Therefore, it has been classified as a Variant of Uncertain Significance.

Fulgent Genetics
Classification: Uncertain significance for Finnish type amyloidosis. Last evaluated: 2021-08-23. Review status: criteria provided, single submitter. Criteria: ACMG Guidelines, 2015. Collection method: clinical testing. Allele origin: unknown.

NM_198252.3(GSN):c.397G>T (p.Val133Leu)

Gene: GSN (gelsolin; plus strand). Cytogenetic location: 9q33.2.
Variant type: single nucleotide variant.
Coding change: c.397G>T on transcript NM_198252.3 (MANE Select); coding-DNA position 397, G replaced by T.
Protein change: p.Val133Leu; replaces valine 133 with leucine.
Molecular consequence: missense variant. On other transcripts: 5 prime UTR variant (1).
Genome position (GRCh38, 1-based): chr9:121,310,729, G>T. VCF-style: chr9-121310729-G-T. GRCh37 (hg19) VCF-style: chr9-124073007-G-T.
Other names: c.550G>T, p.Val184Leu (NM_000177.5); c.397G>T, p.Val133Leu (NM_001127662.2, NM_001127664.2, NM_001127665.2 and 10 more transcripts); c.505G>T, p.Val169Leu (NM_001127663.2); c.430G>T, p.Val144Leu (NM_001127666.2, NM_001127667.2, NM_001353063.2 and 13 more transcripts); c.448G>T, p.Val150Leu (NM_001258029.2); c.421G>T, p.Val141Leu (NM_001258030.2); c.469G>T, p.Val157Leu (NM_001353076.2); c.-258G>T (NM_001353078.2); short protein forms V133L, V184L, V150L, V141L, V144L, V157L, V169L.
Identifiers: ClinVar variation 1413875 (VCV001413875.12), dbSNP rs368197143, ClinGen allele CA5220881.